The following is an entry in ClinVar:

NM_015559.3(SETBP1):c.3470A>G (p.Lys1157Arg)

Gene: SETBP1 (SET binding protein 1; plus strand). Cytogenetic location: 18q12.3.
Variant type: single nucleotide variant.
Coding change: c.3470A>G on transcript NM_015559.3 (MANE Select); coding-DNA position 3470, A replaced by G.
Protein change: p.Lys1157Arg; replaces lysine 1157 with arginine.
Molecular consequence: missense variant.
Genome position (GRCh38, 1-based): chr18:44,952,810, A>G. VCF-style: chr18-44952810-A-G. GRCh37 (hg19) VCF-style: chr18-42532775-A-G.
Other names: c.3470A>G, p.Lys1157Arg (NM_001379141.1, NM_001379142.1, NM_001410862.1); short protein forms K1157R.
Identifiers: ClinVar variation 1994410 (VCV001994410.4), dbSNP rs1370458572, ClinGen allele CA402324497.

ClinVar aggregate classification (germline): Uncertain significance (1 of 4 stars; one submission).

Allele frequency attached by ClinVar (database versions not stated): gnomAD exomes below 0.00001.
gnomAD v4.1: 1 of 1,614,118 alleles (0.000062%); highest among the groups gnomAD compares: Admixed American, 0.0017%; no homozygotes.

Submission:

Labcorp Genetics (formerly Invitae), Labcorp
Classification: Uncertain significance. Last evaluated: 2022-05-14. Review status: criteria provided, single submitter. Criteria: Invitae Variant Classification Sherloc (09022015). Collection method: clinical testing. Allele origin: germline.
Comment: In summary, the available evidence is currently insufficient to determine the role of this variant in disease. Therefore, it has been classified as a Variant of Uncertain Significance. Algorithms developed to predict the effect of missense changes on protein structure and function are either unavailable or do not agree on the potential impact of this missense change (SIFT: "Deleterious"; PolyPhen-2: "Probably Damaging"; Align-GVGD: "Class C0"). This variant has not been reported in the literature in individuals affected with SETBP1-related conditions. This variant is present in population databases (no rsID available, gnomAD 0.003%). This sequence change replaces lysine, which is basic and polar, with arginine, which is basic and polar, at codon 1157 of the SETBP1 protein (p.Lys1157Arg).